The following is an entry in ClinVar:

ClinVar aggregate classification (germline): Uncertain significance (1 of 4 stars; one submission).

Submission:

GeneDx
Classification: Uncertain significance. Last evaluated: 2025-12-30. Review status: criteria provided, single submitter. Criteria: GeneDx Variant Classification Process June 2021. Collection method: clinical testing. Allele origin: germline.
Comment: Not observed at significant frequency in large population cohorts (gnomAD); In silico analysis suggests that this missense variant does not alter protein structure/function; Has not been previously published as pathogenic or benign to our knowledge.

NM_005045.4(RELN):c.8477G>C (p.Ser2826Thr)

Genes: RELN (reelin; minus strand), SLC26A5-AS1 (SLC26A5 antisense RNA 1; plus strand). Cytogenetic location: 7q22.1.
Variant type: single nucleotide variant.
Coding change: c.8477G>C on transcript NM_005045.4 (MANE Select); coding-DNA position 8477, G replaced by C.
Protein change: p.Ser2826Thr; replaces serine 2826 with threonine.
Molecular consequence: missense variant.
Genome position (GRCh38, 1-based): chr7:103,503,028, C>G on the plus strand (G>C on the coding strand, the complement: RELN is on the minus strand). VCF-style: chr7-103503028-C-G. GRCh37 (hg19) VCF-style: chr7-103143475-C-G.
Other names: c.8477G>C, p.Ser2826Thr (NM_173054.3); short protein forms S2826T.
Identifiers: ClinVar variation 3252595 (VCV003252595.2), dbSNP rs2484714784.